The following is an entry in ClinVar:

ClinVar aggregate classification (germline): Uncertain significance. Review status: criteria provided, multiple submitters, no conflicts (2 of 4 stars). 3 submissions from 3 submitters: Uncertain significance (3). Last evaluated 2025-12-19.

Conditions:
Inborn genetic diseases. Identifiers: MedGen C0950123, MeSH D030342.
Early-onset progressive encephalopathy-hearing loss-pons hypoplasia-brain atrophy syndrome. Also called: ENCEPHALOPATHY, PROGRESSIVE, EARLY-ONSET, WITH BRAIN ATROPHY AND SPASTICITY. Identifiers: Orphanet 500144, MedGen C5567229, MONDO:0044696, OMIM 617669.

Allele frequency attached by ClinVar (database versions not stated): gnomAD 0.00003 and 0.00004; TOPMed 0.00003; gnomAD exomes 0.00004 and 0.00005; ExAC 0.00005.
gnomAD v4.1: 68 of 1,610,716 alleles (0.0042%); highest among the groups gnomAD compares: Non-Finnish European, 0.0049%; no homozygotes.

Submissions (3):

Labcorp Genetics (formerly Invitae), Labcorp
Classification: Uncertain significance. Last evaluated: 2025-12-19. Review status: criteria provided, single submitter. Criteria: Invitae Variant Classification Sherloc (09022015). Collection method: clinical testing. Allele origin: germline.
Comment: This sequence change replaces arginine, which is basic and polar, with glycine, which is neutral and non-polar, at codon 533 of the TRAPPC12 protein (p.Arg533Gly). This variant is present in population databases (rs200774577, gnomAD 0.009%). This variant has not been reported in the literature in individuals affected with TRAPPC12-related conditions. ClinVar contains an entry for this variant (Variation ID: 1029568). Invitae Evidence Modeling of protein sequence and biophysical properties (such as structural, functional, and spatial information, amino acid conservation, physicochemical variation, residue mobility, and thermodynamic stability) indicates that this missense variant is expected to disrupt TRAPPC12 protein function with a positive predictive value of 80%. In summary, the available evidence is currently insufficient to determine the role of this variant in disease. Therefore, it has been classified as a Variant of Uncertain Significance.

Ambry Genetics
Classification: Uncertain significance for Inborn genetic diseases. Last evaluated: 2025-03-11. Review status: criteria provided, single submitter. Criteria: Ambry Variant Classification Scheme 2023. Collection method: clinical testing. Allele origin: germline.

Baylor Genetics
Classification: Uncertain significance for Early-onset progressive encephalopathy-hearing loss-pons hypoplasia-brain atrophy syndrome. Last evaluated: 2020-03-06. Review status: criteria provided, single submitter. Criteria: ACMG Guidelines, 2015. Collection method: clinical testing. Allele origin: unknown. Affected: yes.
Comment: This variant was determined to be of uncertain significance according to ACMG Guidelines, 2015 [PMID:25741868].

NM_016030.6(TRAPPC12):c.1597A>G (p.Arg533Gly)

Gene: TRAPPC12 (trafficking protein particle complex subunit 12; plus strand). Cytogenetic location: 2p25.3.
Variant type: single nucleotide variant.
Coding change: c.1597A>G on transcript NM_016030.6 (MANE Select); coding-DNA position 1597, A replaced by G.
Protein change: p.Arg533Gly; replaces arginine 533 with glycine.
Molecular consequence: missense variant.
Genome position (GRCh38, 1-based): chr2:3,457,687, A>G. VCF-style: chr2-3457687-A-G. GRCh37 (hg19) VCF-style: chr2-3461458-A-G.
Other names: c.1597A>G, p.Arg533Gly (NM_001321102.2); short protein forms R533G.
Identifiers: ClinVar variation 1029568 (VCV001029568.3), dbSNP rs200774577, ClinGen allele CA1515510.